The following is an entry in ClinVar:

NM_001035.3(RYR2):c.10342G>C (p.Glu3448Gln)

Gene: RYR2 (ryanodine receptor 2; plus strand). Cytogenetic location: 1q43.
Variant type: single nucleotide variant.
Coding change: c.10342G>C on transcript NM_001035.3 (MANE Select); coding-DNA position 10342, G replaced by C.
Protein change: p.Glu3448Gln; replaces glutamic acid 3448 with glutamine.
Molecular consequence: missense variant.
Genome position (GRCh38, 1-based): chr1:237,717,216, G>C. VCF-style: chr1-237717216-G-C. GRCh37 (hg19) VCF-style: chr1-237880516-G-C.
Other names: c.10342G>C, p.Glu3448Gln (LRG_402t1); short protein forms E3448Q.
Identifiers: ClinVar variation 532321 (VCV000532321.9), dbSNP rs1553298016, ClinGen allele CA345414173.

ClinVar aggregate classification (germline): Uncertain significance. Review status: criteria provided, multiple submitters, no conflicts (2 of 4 stars). 2 submissions from 2 submitters: Uncertain significance (2). Last evaluated 2021-09-01.

Conditions:
Catecholaminergic polymorphic ventricular tachycardia 1. Also called: RYR2-Related Catecholaminergic Polymorphic Ventricular Tachycardia; VENTRICULAR TACHYCARDIA, CATECHOLAMINERGIC POLYMORPHIC, 1, WITH OR WITHOUT ATRIAL DYSFUNCTION AND/OR DILATED CARDIOMYOPATHY; VENTRICULAR TACHYCARDIA, STRESS-INDUCED POLYMORPHIC 1. Identifiers: Orphanet 3286, MedGen C1631597, MONDO:0011484, OMIM 604772.

Submissions (2):

Labcorp Genetics (formerly Invitae), Labcorp
Classification: Uncertain significance for Catecholaminergic polymorphic ventricular tachycardia 1. Last evaluated: 2021-09-01. Review status: criteria provided, single submitter. Criteria: Invitae Variant Classification Sherloc (09022015). Collection method: clinical testing. Allele origin: germline.
Comment: This sequence change replaces glutamic acid with glutamine at codon 3448 of the RYR2 protein (p.Glu3448Gln). The glutamic acid residue is highly conserved and there is a small physicochemical difference between glutamic acid and glutamine. This variant is not present in population databases (ExAC no frequency). This variant has not been reported in the literature in individuals affected with RYR2-related conditions. Algorithms developed to predict the effect of missense changes on protein structure and function (SIFT, PolyPhen-2, Align-GVGD) all suggest that this variant is likely to be disruptive. In summary, the available evidence is currently insufficient to determine the role of this variant in disease. Therefore, it has been classified as a Variant of Uncertain Significance.

Stanford Center for Inherited Cardiovascular Disease, Stanford University
Classification: Uncertain significance. Last evaluated: 2018-01-25. Review status: criteria provided, single submitter. Criteria: ACMG Guidelines, 2015. Collection method: provider interpretation. Allele origin: germline.